The following is an entry in ClinVar:

ClinVar aggregate classification (germline): Conflicting classifications of pathogenicity. Review status: criteria provided, conflicting classifications (1 of 4 stars). 2 submissions from 2 submitters: Uncertain significance (1); Likely benign (1). Last evaluated 2023-07-30.

Conditions:
Spastic paraplegia. Identifiers: MedGen C0037772, HP:0001258.
Inborn genetic diseases. Identifiers: MedGen C0950123, MeSH D030342.

gnomAD v4.1: 3 of 1,491,004 alleles (0.0002%); highest among the groups gnomAD compares: Admixed American, 0.0022%; no homozygotes.

Submissions (2):

Ambry Genetics
Classification: Likely benign for Inborn genetic diseases. Last evaluated: 2023-07-30. Review status: criteria provided, single submitter. Criteria: Ambry Variant Classification Scheme 2023. Collection method: clinical testing. Allele origin: germline.

Labcorp Genetics (formerly Invitae), Labcorp
Classification: Uncertain significance for Spastic paraplegia. Last evaluated: 2021-08-14. Review status: criteria provided, single submitter. Criteria: Invitae Variant Classification Sherloc (09022015). Collection method: clinical testing. Allele origin: germline.
Comment: This sequence change replaces threonine with methionine at codon 9 of the CYP7B1 protein (p.Thr9Met). The threonine residue is weakly conserved and there is a moderate physicochemical difference between threonine and methionine. The frequency data for this variant in the population databases is considered unreliable, as metrics indicate insufficient coverage at this position in the ExAC database. This variant has not been reported in the literature in individuals affected with CYP7B1-related conditions. Algorithms developed to predict the effect of missense changes on protein structure and function output the following: SIFT: "Tolerated"; PolyPhen-2: "Benign"; Align-GVGD: "Class C0". The methionine amino acid residue is found in multiple mammalian species, which suggests that this missense change does not adversely affect protein function. In summary, the available evidence is currently insufficient to determine the role of this variant in disease. Therefore, it has been classified as a Variant of Uncertain Significance.

NM_004820.5(CYP7B1):c.26C>T (p.Thr9Met)

Genes: CYP7B1 (cytochrome P450 family 7 subfamily B member 1; minus strand), LOC130000507 (ATAC-STARR-seq lymphoblastoid silent region 19243; plus strand). Cytogenetic location: 8q12.3.
Variant type: single nucleotide variant.
Coding change: c.26C>T on transcript NM_004820.5 (MANE Select); coding-DNA position 26, C replaced by T.
Protein change: p.Thr9Met; replaces threonine 9 with methionine.
Molecular consequence: missense variant.
Genome position (GRCh38, 1-based): chr8:64,798,562, G>A on the plus strand (C>T on the coding strand, the complement: CYP7B1 is on the minus strand). VCF-style: chr8-64798562-G-A. GRCh37 (hg19) VCF-style: chr8-65711119-G-A.
Other names: c.26C>T, p.Thr9Met (NM_001324112.2); c.26C>T (NM_004820.3); short protein forms T9M.
Identifiers: ClinVar variation 1379472 (VCV001379472.7), dbSNP rs779597828, ClinGen allele CA179061879.